The following is an entry in ClinVar:

NM_000494.4(COL17A1):c.4231G>A (p.Gly1411Ser)

Gene: COL17A1 (collagen type XVII alpha 1 chain; minus strand). Cytogenetic location: 10q25.1.
Variant type: single nucleotide variant.
Coding change: c.4231G>A on transcript NM_000494.4 (MANE Select); coding-DNA position 4231, G replaced by A.
Protein change: p.Gly1411Ser; replaces glycine 1411 with serine.
Molecular consequence: missense variant.
Genome position (GRCh38, 1-based): chr10:104,033,301, C>T on the plus strand (G>A on the coding strand, the complement: COL17A1 is on the minus strand). VCF-style: chr10-104033301-C-T. GRCh37 (hg19) VCF-style: chr10-105793059-C-T.
Other names: short protein forms G1411S.
Identifiers: ClinVar variation 3351842 (VCV003351842.1).

ClinVar aggregate classification (germline): Uncertain significance (0 of 4 stars; one submission).

Conditions:
COL17A1-related disorder. Also called: COL17A1-related condition.

gnomAD v4.1: 119 of 1,603,632 alleles (0.0074%); highest among the groups gnomAD compares: Non-Finnish European, 0.0098%; no homozygotes.

Submission:

PreventionGenetics, part of Exact Sciences
Classification: Uncertain significance for COL17A1-related condition. Last evaluated: 2024-07-10. Review status: no assertion criteria provided. Collection method: clinical testing. Allele origin: germline.
Comment: The COL17A1 c.4231G>A variant is predicted to result in the amino acid substitution p.Gly1411Ser. To our knowledge, this variant has not been reported in the literature. This variant is reported in 0.0043% of alleles in individuals of African descent in gnomAD. At this time, the clinical significance of this variant is uncertain due to the absence of conclusive functional and genetic evidence.